The following is an entry in ClinVar:

ClinVar aggregate classification (germline): Pathogenic (1 of 4 stars; one submission).

Conditions:
Charcot-Marie-Tooth disease type 2E (CMT2E). Also called: CHARCOT-MARIE-TOOTH DISEASE, AXONAL, TYPE 2E; CHARCOT-MARIE-TOOTH NEUROPATHY, TYPE 2E. Identifiers: Orphanet 99939, MedGen C1843225, MONDO:0011894, OMIM 607684.

Submission:

Labcorp Genetics (formerly Invitae), Labcorp
Classification: Pathogenic for Charcot-Marie-Tooth disease type 2E. Last evaluated: 2024-09-06. Review status: criteria provided, single submitter. Criteria: Invitae Variant Classification Sherloc (09022015). Collection method: clinical testing. Allele origin: germline.
Comment: This sequence change creates a premature translational stop signal (p.Tyr57*) in the NEFL gene. It is expected to result in an absent or disrupted protein product. Loss-of-function variants in NEFL are known to be pathogenic (PMID: 19158810, 20039262). This variant is not present in population databases (gnomAD no frequency). This variant has not been reported in the literature in individuals affected with NEFL-related conditions. For these reasons, this variant has been classified as Pathogenic.

Literature cited by the submitters: PubMed 19158810; PubMed 20039262.

NM_006158.5(NEFL):c.171C>G (p.Tyr57Ter)

Gene: NEFL (neurofilament light chain; minus strand). Cytogenetic location: 8p21.2.
Variant type: single nucleotide variant.
Coding change: c.171C>G on transcript NM_006158.5 (MANE Select); coding-DNA position 171, C replaced by G.
Protein change: p.Tyr57Ter; replaces tyrosine 57 with a stop codon.
Molecular consequence: nonsense.
Genome position (GRCh38, 1-based): chr8:24,956,345, G>C on the plus strand (C>G on the coding strand, the complement: NEFL is on the minus strand). VCF-style: chr8-24956345-G-C. GRCh37 (hg19) VCF-style: chr8-24813859-G-C.
Other names: short protein forms Y57*.
Identifiers: ClinVar variation 3639517 (VCV003639517.2).